The following is an entry in ClinVar:

NM_022773.4(LMF1):c.964T>C (p.Cys322Arg)

Gene: LMF1 (lipase maturation factor 1; minus strand). Cytogenetic location: 16p13.3.
Variant type: single nucleotide variant.
Coding change: c.964T>C on transcript NM_022773.4 (MANE Select); coding-DNA position 964, T replaced by C.
Protein change: p.Cys322Arg; replaces cysteine 322 with arginine.
Molecular consequence: missense variant. On other transcripts: non-coding transcript variant (1).
Genome position (GRCh38, 1-based): chr16:871,275, A>G on the plus strand (T>C on the coding strand, the complement: LMF1 is on the minus strand). VCF-style: chr16-871275-A-G. GRCh37 (hg19) VCF-style: chr16-921275-A-G.
Other names: c.313T>C, p.Cys105Arg (NM_001352017.2, NM_001352021.2); c.565T>C, p.Cys189Arg (NM_001352018.2); c.637T>C, p.Cys213Arg (NM_001352019.2); c.964T>C, p.Cys322Arg (NM_001352020.1); short protein forms C189R, C105R, C213R, C322R.
Identifiers: ClinVar variation 4098529 (VCV004098529.1).

ClinVar aggregate classification (germline): Uncertain significance (1 of 4 stars; one submission).

Conditions:
Cardiovascular phenotype. Identifiers: MedGen CN230736.

gnomAD v4.1: 1 of 1,612,614 alleles (0.000062%); highest among the groups gnomAD compares: South Asian, 0.0011%; no homozygotes.

Submission:

Ambry Genetics
Classification: Uncertain significance for Cardiovascular phenotype. Last evaluated: 2025-07-28. Review status: criteria provided, single submitter. Criteria: Ambry Variant Classification Scheme 2023. Collection method: clinical testing. Allele origin: germline.
Comment: The p.C322R variant (also known as c.964T>C), located in coding exon 7 of the LMF1 gene, results from a T to C substitution at nucleotide position 964. The cysteine at codon 322 is replaced by arginine, an amino acid with highly dissimilar properties. This amino acid position is conserved. In addition, this alteration is predicted to be deleterious by in silico analysis. Based on the available evidence, the clinical significance of this variant remains unclear.